The following is an entry in ClinVar:

ClinVar aggregate classification (germline): Uncertain significance. Review status: criteria provided, multiple submitters, no conflicts (2 of 4 stars). 6 submissions from 6 submitters: Uncertain significance (6). Last evaluated 2025-07-21.

Conditions:
Familial adenomatous polyposis 1 (FAP1). Also called: POLYPOSIS, ADENOMATOUS INTESTINAL; FAMILIAL ADENOMATOUS POLYPOSIS 1, ATTENUATED. Identifiers: MedGen C2713442, MONDO:0021056, OMIM 175100. Disease mechanism: loss of function.
Turcot syndrome with polyposis. Identifiers: MedGen CN276973, MONDO:0020497.
Classic or attenuated familial adenomatous polyposis. Identifiers: MedGen CN372698, MONDO:0021057.
Hereditary cancer-predisposing syndrome. Also called: Hereditary Cancer Syndrome; Neoplastic Syndromes, Hereditary; Tumor predisposition; Hereditary neoplastic syndrome. Identifiers: Orphanet 140162, MedGen C0027672, MeSH D009386, MONDO:0015356.

Allele frequency attached by ClinVar (database versions not stated): gnomAD exomes below 0.00001.
gnomAD v4.1: 1 of 1,614,094 alleles (0.000062%); highest among the groups gnomAD compares: South Asian, 0.0011%; no homozygotes.

Submissions (6):

GeneDx
Classification: Uncertain significance. Last evaluated: 2025-07-21. Review status: criteria provided, single submitter. Criteria: GeneDx Variant Classification Process June 2021. Collection method: clinical testing. Allele origin: germline. Affected: yes.
Comment: Not observed at significant frequency in large population cohorts (gnomAD); In silico analysis suggests that this missense variant does not alter protein structure/function; Has not been previously published as pathogenic or benign to our knowledge

All of Us Research Program, National Institutes of Health
Classification: Uncertain significance for Classic or attenuated familial adenomatous polyposis. Last evaluated: 2024-07-20. Review status: criteria provided, single submitter. Criteria: ACMG Guidelines, 2015. Collection method: clinical testing. Allele origin: germline. Inheritance: Autosomal dominant inheritance. Observed: 1 variant allele, 1 heterozygote.
Comment: This missense variant replaces proline with arginine at codon 832 of the APC protein. Computational prediction suggests that this variant may not impact protein structure and function (internally defined REVEL score threshold <= 0.5, PMID: 27666373). To our knowledge, functional studies have not been reported for this variant. This variant has not been reported in individuals affected with APC-related disorders in the literature. This variant has not been identified in the general population by the Genome Aggregation Database (gnomAD). The available evidence is insufficient to determine the role of this variant in disease conclusively. Therefore, this variant is classified as a Variant of Uncertain Significance.

This study involves interpretation of variants in research participants for the purpose of population health screening. Participant phenotype was not available at the time of variant classification. Additional details can be found in publication PMID: 35346344, PMCID: PMC8962531

Color Diagnostics, LLC DBA Color Health
Classification: Uncertain significance for Hereditary cancer-predisposing syndrome. Last evaluated: 2023-12-05. Review status: criteria provided, single submitter. Criteria: ACMG Guidelines, 2015. Collection method: clinical testing. Allele origin: germline.
Comment: This missense variant replaces proline with arginine at codon 832 of the APC protein. Computational prediction suggests that this variant may not impact protein structure and function (internally defined REVEL score threshold <= 0.5, PMID: 27666373). To our knowledge, functional studies have not been reported for this variant. This variant has not been reported in individuals affected with APC-related disorders in the literature. This variant has not been identified in the general population by the Genome Aggregation Database (gnomAD). The available evidence is insufficient to determine the role of this variant in disease conclusively. Therefore, this variant is classified as a Variant of Uncertain Significance.

Baylor Genetics
Classification: Uncertain significance for Familial adenomatous polyposis 1. Last evaluated: 2023-07-20. Review status: criteria provided, single submitter. Criteria: ACMG Guidelines, 2015. Collection method: clinical testing. Allele origin: unknown.

Department of Pathology and Laboratory Medicine, Sinai Health System
Classification: Uncertain significance. Last evaluated: 2022-06-13. Review status: criteria provided, single submitter. Criteria: ACMG Guidelines, 2015. Collection method: clinical testing. Allele origin: germline. Affected: yes.

Ambry Genetics
Classification: Uncertain significance for Hereditary cancer-predisposing syndrome. Last evaluated: 2021-09-02. Review status: criteria provided, single submitter. Criteria: Ambry Variant Classification Scheme 2023. Collection method: clinical testing. Allele origin: germline.
Comment: The p.P832R variant (also known as c.2495C>G), located in coding exon 15 of the APC gene, results from a C to G substitution at nucleotide position 2495. The proline at codon 832 is replaced by arginine, an amino acid with dissimilar properties. This amino acid position is highly conserved in available vertebrate species. In addition, in silico predictors for this gene do not accurately predict pathogenicity. Since supporting evidence is limited at this time, the clinical significance of this alteration remains unclear.

NM_000038.6(APC):c.2495C>G (p.Pro832Arg)

Gene: APC (APC regulator of Wnt signaling pathway; plus strand). Cytogenetic location: 5q22.2.
Variant type: single nucleotide variant.
Coding change: c.2495C>G on transcript NM_000038.6 (MANE Select); coding-DNA position 2495, C replaced by G.
Protein change: p.Pro832Arg; replaces proline 832 with arginine.
Molecular consequence: missense variant.
Genome position (GRCh38, 1-based): chr5:112,838,089, C>G. VCF-style: chr5-112838089-C-G. GRCh37 (hg19) VCF-style: chr5-112173786-C-G.
Other names: c.2495C>G, p.Pro832Arg (NM_001127510.3, NM_001354895.2); c.2441C>G, p.Pro814Arg (NM_001127511.3); c.2549C>G, p.Pro850Arg (NM_001354896.2); c.2525C>G, p.Pro842Arg (NM_001354897.2); c.2420C>G, p.Pro807Arg (NM_001354898.2); c.2411C>G, p.Pro804Arg (NM_001354899.2); c.2372C>G, p.Pro791Arg (NM_001354900.2); c.2318C>G, p.Pro773Arg (NM_001354901.2); and 5 more; short protein forms P814R, P832R, P672R, P804R, P850R, P731R, P773R, P791R.
Identifiers: ClinVar variation 489425 (VCV000489425.14), dbSNP rs1554084217, ClinGen allele CA16026806.